The following is an entry in ClinVar:

NM_004525.3(LRP2):c.13209C>A (p.Ser4403Arg)

Gene: LRP2 (LDL receptor related protein 2; minus strand). Cytogenetic location: 2q31.1.
Variant type: single nucleotide variant.
Coding change: c.13209C>A on transcript NM_004525.3 (MANE Select); coding-DNA position 13209, C replaced by A.
Protein change: p.Ser4403Arg; replaces serine 4403 with arginine.
Molecular consequence: missense variant.
Genome position (GRCh38, 1-based): chr2:169,139,601, G>T on the plus strand (C>A on the coding strand, the complement: LRP2 is on the minus strand). VCF-style: chr2-169139601-G-T. GRCh37 (hg19) VCF-style: chr2-169996111-G-T.
Other names: short protein forms S4403R.
Identifiers: ClinVar variation 1387219 (VCV001387219.6), dbSNP rs776611073, ClinGen allele CA349157400.

ClinVar aggregate classification (germline): Uncertain significance (1 of 4 stars; one submission).

Submission:

Labcorp Genetics (formerly Invitae), Labcorp
Classification: Uncertain significance. Last evaluated: 2022-06-13. Review status: criteria provided, single submitter. Criteria: Invitae Variant Classification Sherloc (09022015). Collection method: clinical testing. Allele origin: germline.
Comment: This sequence change replaces serine, which is neutral and polar, with arginine, which is basic and polar, at codon 4403 of the LRP2 protein (p.Ser4403Arg). This variant is not present in population databases (gnomAD no frequency). In summary, the available evidence is currently insufficient to determine the role of this variant in disease. Therefore, it has been classified as a Variant of Uncertain Significance. Advanced modeling of protein sequence and biophysical properties (such as structural, functional, and spatial information, amino acid conservation, physicochemical variation, residue mobility, and thermodynamic stability) performed at Invitae indicates that this missense variant is not expected to disrupt LRP2 protein function. This variant has not been reported in the literature in individuals affected with LRP2-related conditions.